The following is an entry in ClinVar:

ClinVar aggregate classification (germline): Conflicting classifications of pathogenicity. Review status: criteria provided, conflicting classifications (1 of 4 stars). 5 submissions from 5 submitters: Uncertain significance (2); Likely benign (2). 1 of the submissions does not count toward it. Last evaluated 2025-12-29.

Conditions:
RECQL4-related disorder. Also called: RECQL4-related condition; RECQL4-related disorders.
Baller-Gerold syndrome (BGS). Also called: CRANIOSYNOSTOSIS WITH RADIAL DEFECTS. Identifiers: Orphanet 1225, MedGen C0265308, MONDO:0009039, OMIM 218600.

Allele frequency attached by ClinVar (database versions not stated): gnomAD exomes 0.00005 and 0.00018; TOPMed 0.00014; gnomAD 0.00016; ExAC 0.00023; 1000 Genomes Project 30x 0.00047.

Submissions (5):

Labcorp Genetics (formerly Invitae), Labcorp
Classification: Likely benign for Baller-Gerold syndrome. Last evaluated: 2025-12-29. Review status: criteria provided, single submitter. Criteria: Invitae Variant Classification Sherloc (09022015). Collection method: clinical testing. Allele origin: germline.

Mayo Clinic Laboratories, Mayo Clinic
Classification: Likely benign. Last evaluated: 2025-03-05. Review status: criteria provided, single submitter. Criteria: ACMG Guidelines, 2015. Collection method: clinical testing. Allele origin: germline. Observed: 1 variant allele.
Comment: BS1, BP1

CeGaT Center for Human Genetics Tuebingen
Classification: Uncertain significance. Last evaluated: 2018-07-01. Review status: criteria provided, single submitter. Criteria: CeGaT Center For Human Genetics Tuebingen Variant Classification Criteria Version 2. Collection method: clinical testing. Allele origin: germline. Affected: yes. Observed: 1 variant allele.

Eurofins Ntd Llc (ga)
Classification: Uncertain significance. Last evaluated: 2015-01-21. Review status: criteria provided, single submitter. Criteria: EGL Classification Definitions 2015. Collection method: clinical testing. Allele origin: germline. Observed: 1 variant allele, 1 heterozygote.

PreventionGenetics, part of Exact Sciences
Classification: Likely benign for RECQL4-related condition. Last evaluated: 2019-08-09. Review status: no assertion criteria provided. Collection method: clinical testing. Allele origin: germline. Not counted in ClinVar's aggregate classification.
Comment: This variant is classified as likely benign based on ACMG/AMP sequence variant interpretation guidelines (Richards et al. 2015 PMID: 25741868, with internal and published modifications).

NM_004260.4(RECQL4):c.1391-4G>T

Gene: RECQL4 (RecQ like helicase 4; minus strand). Cytogenetic location: 8q24.3.
Variant type: single nucleotide variant.
Coding change: c.1391-4G>T on transcript NM_004260.4 (MANE Select); 4 bases into the intron before coding-DNA position 1391, G replaced by T.
Molecular consequence: intron variant.
Genome position (GRCh38, 1-based): chr8:144,515,246, C>A on the plus strand (G>T on the coding strand, the complement: RECQL4 is on the minus strand). VCF-style: chr8-144515246-C-A. GRCh37 (hg19) VCF-style: chr8-145740630-C-A.
Other names: p.?.
Identifiers: ClinVar variation 198790 (VCV000198790.57), dbSNP rs190388213, ClinGen allele CA247619.
Genomic context (GRCh38, chr8:144,515,246, plus strand): 5'-GGCGAAAGGCTTGGTGCCCCAGCTGCTCCAGGGCCTGGAACACCTCAGCCGGCGTCTCTG[C>A]AGACACAGATGTTGATCACCATGACTTGAGTCACCCCAACCCCTCAGTGAAGGCTCTGGG-3'